The following is an entry in ClinVar:

NM_006035.4(CDC42BPB):c.3089T>C (p.Ile1030Thr)

Gene: CDC42BPB (CDC42 binding protein kinase beta; minus strand). Cytogenetic location: 14q32.32.
Variant type: single nucleotide variant.
Coding change: c.3089T>C on transcript NM_006035.4 (MANE Select); coding-DNA position 3089, T replaced by C.
Protein change: p.Ile1030Thr; replaces isoleucine 1030 with threonine.
Molecular consequence: missense variant.
Genome position (GRCh38, 1-based): chr14:102,952,581, A>G on the plus strand (T>C on the coding strand, the complement: CDC42BPB is on the minus strand). VCF-style: chr14-102952581-A-G. GRCh37 (hg19) VCF-style: chr14-103418918-A-G.
Other names: c.3011T>C, p.Ile1004Thr (NM_001411054.1); short protein forms I1004T, I1030T.
Identifiers: ClinVar variation 3372667 (VCV003372667.1).

ClinVar aggregate classification (germline): Uncertain significance (1 of 4 stars; one submission).

Submission:

GeneDx
Classification: Uncertain significance. Last evaluated: 2024-04-18. Review status: criteria provided, single submitter. Criteria: GeneDx Variant Classification Process June 2021. Collection method: clinical testing. Allele origin: germline. Affected: yes.
Comment: Not observed at significant frequency in large population cohorts (gnomAD); In silico analysis supports that this missense variant has a deleterious effect on protein structure/function; Has not been previously published as pathogenic or benign to our knowledge